The following is an entry in ClinVar:

NM_032447.5(FBN3):c.1788C>A (p.Cys596Ter)

Gene: FBN3 (fibrillin 3; minus strand). Cytogenetic location: 19p13.2.
Variant type: single nucleotide variant.
Coding change: c.1788C>A on transcript NM_032447.5 (MANE Select); coding-DNA position 1788, C replaced by A.
Protein change: p.Cys596Ter; replaces cysteine 596 with a stop codon.
Molecular consequence: nonsense.
Genome position (GRCh38, 1-based): chr19:8,131,756, G>T on the plus strand (C>A on the coding strand, the complement: FBN3 is on the minus strand). VCF-style: chr19-8131756-G-T. GRCh37 (hg19) VCF-style: chr19-8196640-G-T.
Other names: c.1788C>A, p.Cys596Ter (NM_001321431.2); short protein forms C596*.
Identifiers: ClinVar variation 2066377 (VCV002066377.4), dbSNP rs2083154246, ClinGen allele CA403705788.

ClinVar aggregate classification (germline): Uncertain significance (1 of 4 stars; one submission).

Submission:

Labcorp Genetics (formerly Invitae), Labcorp
Classification: Uncertain significance. Last evaluated: 2021-12-30. Review status: criteria provided, single submitter. Criteria: Invitae Variant Classification Sherloc (09022015). Collection method: clinical testing. Allele origin: germline.
Comment: This sequence change creates a premature translational stop signal (p.Cys596*) in the FBN3 gene. It is expected to result in an absent or disrupted protein product. However, the current clinical and genetic evidence is not sufficient to establish whether loss-of-function variants in FBN3 cause disease. This variant is not present in population databases (gnomAD no frequency). This variant has not been reported in the literature in individuals affected with FBN3-related conditions. In summary, the available evidence is currently insufficient to determine the role of this variant in disease. Therefore, it has been classified as a Variant of Uncertain Significance.